The following is an entry in ClinVar:

NM_001999.4(FBN2):c.7296G>T (p.Gln2432His)

Gene: FBN2 (fibrillin 2; minus strand). Cytogenetic location: 5q23.3.
Variant type: single nucleotide variant.
Coding change: c.7296G>T on transcript NM_001999.4 (MANE Select); coding-DNA position 7296, G replaced by T.
Protein change: p.Gln2432His; replaces glutamine 2432 with histidine.
Molecular consequence: missense variant.
Genome position (GRCh38, 1-based): chr5:128,278,684, C>A on the plus strand (G>T on the coding strand, the complement: FBN2 is on the minus strand). VCF-style: chr5-128278684-C-A. GRCh37 (hg19) VCF-style: chr5-127614376-C-A.
Other names: p.Q2432H:CAG>CAT; short protein forms Q2432H.
Identifiers: ClinVar variation 129050 (VCV000129050.94), dbSNP rs34600572, ClinGen allele CA288837.
Genomic context (GRCh38, chr5:128,278,684, plus strand): 5'-CAACTCCTTACCTCTTCCATCAGTTGTATATCCTGGGCCATGAGGACATATCTTTTTGTA[C>A]TGGGCAGTTCCAGGAAGTGGGCAAAGCTCGCACTGGTGGCCCCAGCCTCGCCCACCATCA-3'
Protein context (NP_001990.2, residues 2422-2442): CELCPLPGTA[Gln2432His]YKKICPHGPG

ClinVar aggregate classification (germline): Benign/Likely benign. Review status: criteria provided, multiple submitters, no conflicts (2 of 4 stars). 12 submissions from 12 submitters: Benign (8); Likely benign (2). 2 of the submissions do not count toward it. Last evaluated 2026-02-01.

Conditions:
Ehlers-Danlos syndrome (EDS). Identifiers: Orphanet 98249, MedGen C0013720, MONDO:0020066.
Familial thoracic aortic aneurysm and aortic dissection (TAAD). Also called: Thoracic aortic aneurysms and dissections. Identifiers: Orphanet 91387, MedGen C4707243, MONDO:0019625.
Congenital contractural arachnodactyly (CCA). Also called: Arthrogryposis, distal, type 9; Beals-Hecht syndrome; BEALS SYNDROME. Identifiers: Orphanet 115, MedGen C0220668, MONDO:0007363, OMIM 121050.

Allele frequency attached by ClinVar (database versions not stated): gnomAD exomes 0.00080 and 0.00223; ExAC 0.00268; 1000 Genomes Project 30x 0.00671; 1000 Genomes Project 0.00699; gnomAD 0.00797 and 0.00870; ESP Exome Variant Server 0.00907; TOPMed 0.00980.
gnomAD v4.1: 2,425 of 1,614,104 alleles (0.15%); highest among the groups gnomAD compares: African/African-American, 2.8%; 33 homozygotes.

Submissions (12):

CeGaT Center for Human Genetics Tuebingen
Classification: Benign. Last evaluated: 2026-02-01. Review status: criteria provided, single submitter. Criteria: CeGaT Center For Human Genetics Tuebingen Variant Classification Criteria Version 2. Collection method: clinical testing. Allele origin: germline. Affected: yes. Observed: 2 variant alleles.
Comment: FBN2: BS1, BS2

Labcorp Genetics (formerly Invitae), Labcorp
Classification: Benign for Congenital contractural arachnodactyly. Last evaluated: 2026-01-28. Review status: criteria provided, single submitter. Criteria: Invitae Variant Classification Sherloc (09022015). Collection method: clinical testing. Allele origin: germline.

Women's Health and Genetics/Laboratory Corporation of America, LabCorp
Classification: Likely benign. Last evaluated: 2023-07-21. Review status: criteria provided, single submitter. Criteria: LabCorp Variant Classification Summary - May 2015. Collection method: clinical testing. Allele origin: germline.

ARUP Laboratories, Molecular Genetics and Genomics, ARUP Laboratories
Classification: Benign. Last evaluated: 2021-10-07. Review status: criteria provided, single submitter. Criteria: ARUP Molecular Germline Variant Investigation Process 2021. Collection method: clinical testing. Allele origin: germline.

Genome Diagnostics Laboratory, The Hospital for Sick Children
Classification: Likely benign for Ehlers-Danlos syndrome. Last evaluated: 2021-05-12. Review status: criteria provided, single submitter. Criteria: ACMG Guidelines, 2015. Collection method: clinical testing. Allele origin: germline.

Illumina Laboratory Services, Illumina
Classification: Benign for Congenital contractural arachnodactyly. Last evaluated: 2018-01-12. Review status: criteria provided, single submitter. Criteria: ICSL Variant Classification Criteria 13 December 2019. Collection method: clinical testing. Allele origin: germline.
Comment: This variant was observed in the ICSL laboratory as part of a predisposition screen in an ostensibly healthy population. It had not been previously curated by ICSL or reported in the Human Gene Mutation Database (HGMD: prior to June 1st, 2018), and was therefore a candidate for classification through an automated scoring system. Utilizing variant allele frequency, disease prevalence and penetrance estimates, and inheritance mode, an automated score was calculated to assess if this variant is too frequent to cause the disease. Based on the score and internal cut-off values, a variant classified as benign is not then subjected to further curation. The score for this variant resulted in a classification of benign for this disease.

Genetic Services Laboratory, University of Chicago
Classification: Benign. Last evaluated: 2016-04-21. Review status: criteria provided, single submitter. Criteria: ACMG Guidelines, 2015. Collection method: clinical testing. Allele origin: germline. Affected: no.

Ambry Genetics
Classification: Benign for Familial thoracic aortic aneurysm and aortic dissection. Last evaluated: 2015-06-22. Review status: criteria provided, single submitter. Criteria: Ambry Variant Classification Scheme 2023. Collection method: clinical testing. Allele origin: germline.

GeneDx
Classification: Benign. Last evaluated: 2014-03-28. Review status: criteria provided, single submitter. Criteria: GeneDx Variant Classification (06012015). Collection method: clinical testing. Allele origin: germline. Affected: yes.
Comment: This variant is considered likely benign or benign based on one or more of the following criteria: it is a conservative change, it occurs at a poorly conserved position in the protein, it is predicted to be benign by multiple in silico algorithms, and/or has population frequency not consistent with disease.

PreventionGenetics, part of Exact Sciences
Classification: Benign. Review status: criteria provided, single submitter. Criteria: ACMG Guidelines, 2015. Collection method: clinical testing. Allele origin: germline.

Clinical Genetics DNA and cytogenetics Diagnostics Lab, Erasmus MC, Erasmus Medical Center
Classification: Benign. Review status: no assertion criteria provided. Collection method: clinical testing. Allele origin: germline. Affected: yes. Study: VKGL Data-share Consensus. Not counted in ClinVar's aggregate classification.

Laboratory of Diagnostic Genome Analysis, Leiden University Medical Center (LUMC)
Classification: Likely benign. Review status: no assertion criteria provided. Collection method: clinical testing. Allele origin: germline. Affected: yes. Study: VKGL Data-share Consensus. Not counted in ClinVar's aggregate classification.